The following is an entry in ClinVar:

ClinVar aggregate classification (germline): Uncertain significance. Review status: criteria provided, multiple submitters, no conflicts (2 of 4 stars). 2 submissions from 2 submitters: Uncertain significance (2). Last evaluated 2024-05-15.

Conditions:
Familial hemiplegic migraine. Identifiers: MedGen C0338484, MONDO:0000700.

Allele frequency attached by ClinVar (database versions not stated): gnomAD exomes below 0.00001; TOPMed 0.00001.
gnomAD v4.1: 1 of 1,614,184 alleles (0.000062%); highest among the groups gnomAD compares: Admixed American, 0.0017%; no homozygotes.

Submissions (2):

Labcorp Genetics (formerly Invitae), Labcorp
Classification: Uncertain significance for Familial hemiplegic migraine. Last evaluated: 2024-05-15. Review status: criteria provided, single submitter. Criteria: Invitae Variant Classification Sherloc (09022015). Collection method: clinical testing. Allele origin: germline.
Comment: This sequence change replaces glycine, which is neutral and non-polar, with serine, which is neutral and polar, at codon 629 of the ATP1A2 protein (p.Gly629Ser). This variant is present in population databases (no rsID available, gnomAD 0.003%). This variant has not been reported in the literature in individuals affected with ATP1A2-related conditions. ClinVar contains an entry for this variant (Variation ID: 1305924). Advanced modeling of protein sequence and biophysical properties (such as structural, functional, and spatial information, amino acid conservation, physicochemical variation, residue mobility, and thermodynamic stability) has been performed at Invitae for this missense variant, however the output from this modeling did not meet the statistical confidence thresholds required to predict the impact of this variant on ATP1A2 protein function. In summary, the available evidence is currently insufficient to determine the role of this variant in disease. Therefore, it has been classified as a Variant of Uncertain Significance.

GeneDx
Classification: Uncertain significance. Last evaluated: 2019-05-20. Review status: criteria provided, single submitter. Criteria: GeneDx Variant Classification Process June 2021. Collection method: clinical testing. Allele origin: germline. Affected: yes.
Comment: Not observed at a significant frequency]in large population cohorts (Lek et al., 2016); In silico analysis, which includes protein predictors and evolutionary conservation, supports a deleterious effect; Has not been previously published as pathogenic or benign to our knowledge

NM_000702.4(ATP1A2):c.1885G>A (p.Gly629Ser)

Gene: ATP1A2 (ATPase Na+/K+ transporting subunit alpha 2; plus strand). Cytogenetic location: 1q23.2.
Variant type: single nucleotide variant.
Coding change: c.1885G>A on transcript NM_000702.4 (MANE Select); coding-DNA position 1885, G replaced by A.
Protein change: p.Gly629Ser; replaces glycine 629 with serine.
Molecular consequence: missense variant.
Genome position (GRCh38, 1-based): chr1:160,134,541, G>A. VCF-style: chr1-160134541-G-A. GRCh37 (hg19) VCF-style: chr1-160104331-G-A.
Other names: short protein forms G629S.
Identifiers: ClinVar variation 1305924 (VCV001305924.7), dbSNP rs920199278, ClinGen allele CA31500393.